The following is an entry in ClinVar:

NM_004082.5(DCTN1):c.1947A>G (p.Gln649=)

Gene: DCTN1 (dynactin subunit 1; minus strand). Cytogenetic location: 2p13.1.
Variant type: single nucleotide variant.
Coding change: c.1947A>G on transcript NM_004082.5 (MANE Select); coding-DNA position 1947, A replaced by G.
Protein change: p.Gln649=; no amino-acid change (glutamine 649 retained).
Molecular consequence: synonymous variant. On other transcripts: non-coding transcript variant (1).
Genome position (GRCh38, 1-based): chr2:74,368,039, T>C on the plus strand (A>G on the coding strand, the complement: DCTN1 is on the minus strand). VCF-style: chr2-74368039-T-C. GRCh37 (hg19) VCF-style: chr2-74595166-T-C.
Other names: c.1947A>G (NM_004082.4); c.1887A>G, p.Gln629= (NM_001135040.3); c.1545A>G, p.Gln515= (NM_001135041.3, NM_023019.4); c.1836A>G, p.Gln612= (NM_001190836.2); c.1926A>G, p.Gln642= (NM_001190837.2); c.1896A>G, p.Gln632= (NM_001378991.1); c.1878A>G, p.Gln626= (NM_001378992.1).
Identifiers: ClinVar variation 1144394 (VCV001144394.12), dbSNP rs756173900, ClinGen allele CA1721996.

ClinVar aggregate classification (germline): Likely benign. Review status: criteria provided, multiple submitters, no conflicts (2 of 4 stars). 3 submissions from 3 submitters: Likely benign (2). 1 of the submissions does not count toward it. Last evaluated 2025-03-09.

Conditions:
DCTN1-related disorder. Also called: DCTN1-related condition.
Amyotrophic lateral sclerosis type 1 (ALS1). Also called: AMYOTROPHIC LATERAL SCLEROSIS 1, FAMILIAL. Identifiers: Orphanet 803, MedGen C1862939, MONDO:0007103, OMIM 105400.
Perry syndrome. Also called: PARKINSONISM WITH ALVEOLAR HYPOVENTILATION AND MENTAL DEPRESSION. Identifiers: Orphanet 178509, MedGen C1868594, MONDO:0008201, OMIM 168605.
Neuronopathy, distal hereditary motor, type 7B. Also called: HMN VIIB; LOWER MOTOR NEURON DISEASE, DYNACTIN TYPE; Distal Hereditary Motor Neuronopathy Type 7B (dHMN7B); NEURONOPATHY, DISTAL HEREDITARY MOTOR, AUTOSOMAL DOMINANT 14; NEURONOPATHY, DISTAL HEREDITARY MOTOR, HARDING TYPE VIIB; NEUROPATHY, DISTAL HEREDITARY MOTOR, HARDING TYPE VIIB. Identifiers: Orphanet 139589, MedGen C1843315, MONDO:0011879, OMIM 607641.

Allele frequency attached by ClinVar (database versions not stated): ExAC 0.00001; gnomAD exomes 0.00001 and 0.00002; gnomAD 0.00002; TOPMed 0.00003.
gnomAD v4.1: 45 of 1,613,956 alleles (0.0028%); highest among the groups gnomAD compares: African/African-American, 0.004%; no homozygotes.

Submissions (3):

Labcorp Genetics (formerly Invitae), Labcorp
Classification: Likely benign for Amyotrophic lateral sclerosis type 1; Neuronopathy, distal hereditary motor, type 7B; Perry syndrome. Last evaluated: 2025-03-09. Review status: criteria provided, single submitter. Criteria: Invitae Variant Classification Sherloc (09022015). Collection method: clinical testing. Allele origin: germline.

Blueprint Genetics
Classification: Likely benign. Last evaluated: 2023-09-22. Review status: criteria provided, single submitter. Criteria: ACMG Guidelines, 2015. Collection method: clinical testing. Allele origin: germline.

PreventionGenetics, part of Exact Sciences
Classification: Likely benign for DCTN1-related condition. Last evaluated: 2020-02-24. Review status: no assertion criteria provided. Collection method: clinical testing. Allele origin: germline. Not counted in ClinVar's aggregate classification.
Comment: This variant is classified as likely benign based on ACMG/AMP sequence variant interpretation guidelines (Richards et al. 2015 PMID: 25741868, with internal and published modifications).